The following is an entry in ClinVar:

ClinVar aggregate classification (germline): Likely benign. Review status: criteria provided, multiple submitters, no conflicts (2 of 4 stars). 3 submissions from 3 submitters: Likely benign (2). 1 of the submissions does not count toward it. Last evaluated 2025-11-10.

Conditions:
MSH3-related disorder. Also called: MSH3-related condition.
Hereditary cancer-predisposing syndrome. Also called: Hereditary Cancer Syndrome; Hereditary neoplastic syndrome; Neoplastic Syndromes, Hereditary; Tumor predisposition. Identifiers: Orphanet 140162, MedGen C0027672, MeSH D009386, MONDO:0015356.

Allele frequency attached by ClinVar (database versions not stated): gnomAD exomes below 0.00001.
gnomAD v4.1: 6 of 1,613,604 alleles (0.00037%); highest among the groups gnomAD compares: Non-Finnish European, 0.00051%; no homozygotes.

Submissions (3):

Labcorp Genetics (formerly Invitae), Labcorp
Classification: Likely benign. Last evaluated: 2025-11-10. Review status: criteria provided, single submitter. Criteria: Invitae Variant Classification Sherloc (09022015). Collection method: clinical testing. Allele origin: germline.

Ambry Genetics
Classification: Likely benign for Hereditary cancer-predisposing syndrome. Last evaluated: 2022-03-03. Review status: criteria provided, single submitter. Criteria: Ambry Variant Classification Scheme 2023. Collection method: clinical testing. Allele origin: germline.

PreventionGenetics, part of Exact Sciences
Classification: Likely benign for MSH3-related condition. Last evaluated: 2024-09-23. Review status: no assertion criteria provided. Collection method: clinical testing. Allele origin: germline. Not counted in ClinVar's aggregate classification.
Comment: This variant is classified as likely benign based on ACMG/AMP sequence variant interpretation guidelines (Richards et al. 2015 PMID: 25741868, with internal and published modifications).

NM_002439.5(MSH3):c.3048A>G (p.Glu1016=)

Gene: MSH3 (mutS homolog 3; plus strand). Cytogenetic location: 5q14.1.
Variant type: single nucleotide variant.
Coding change: c.3048A>G on transcript NM_002439.5 (MANE Select); coding-DNA position 3048, A replaced by G.
Protein change: p.Glu1016=; no amino-acid change (glutamic acid 1016 retained).
Molecular consequence: synonymous variant.
Genome position (GRCh38, 1-based): chr5:80,864,860, A>G. VCF-style: chr5-80864860-A-G. GRCh37 (hg19) VCF-style: chr5-80160679-A-G.
Identifiers: ClinVar variation 752957 (VCV000752957.14), dbSNP rs1297234503, ClinGen allele CA445224428.